The following is an entry in ClinVar:

ClinVar aggregate classification (germline): Uncertain significance (1 of 4 stars; one submission).

gnomAD v4.1: 1 of 1,614,220 alleles (0.000062%); highest among the groups gnomAD compares: Non-Finnish European, 0.000085%; no homozygotes.

Submission:

Labcorp Genetics (formerly Invitae), Labcorp
Classification: Uncertain significance. Last evaluated: 2025-01-21. Review status: criteria provided, single submitter. Criteria: Invitae Variant Classification Sherloc (09022015). Collection method: clinical testing. Allele origin: germline.
Comment: This sequence change replaces glutamic acid, which is acidic and polar, with aspartic acid, which is acidic and polar, at codon 41 of the TMPRSS6 protein (p.Glu41Asp). This variant is not present in population databases (gnomAD no frequency). This variant has not been reported in the literature in individuals affected with TMPRSS6-related conditions. An algorithm developed to predict the effect of missense changes on protein structure and function outputs the following: PolyPhen-2: "Benign". The aspartic acid amino acid residue is found in multiple mammalian species, which suggests that this missense change does not adversely affect protein function. In summary, the available evidence is currently insufficient to determine the role of this variant in disease. Therefore, it has been classified as a Variant of Uncertain Significance.

NM_001374504.1(TMPRSS6):c.96G>C (p.Glu32Asp)

Gene: TMPRSS6 (transmembrane serine protease 6; minus strand). Cytogenetic location: 22q12.3.
Variant type: single nucleotide variant.
Coding change: c.96G>C on transcript NM_001374504.1 (MANE Select); coding-DNA position 96, G replaced by C.
Protein change: p.Glu32Asp; replaces glutamic acid 32 with aspartic acid.
Molecular consequence: missense variant.
Genome position (GRCh38, 1-based): chr22:37,103,322, C>G on the plus strand (G>C on the coding strand, the complement: TMPRSS6 is on the minus strand). VCF-style: chr22-37103322-C-G. GRCh37 (hg19) VCF-style: chr22-37499362-C-G.
Other names: c.96G>C, p.Glu32Asp (NM_001289000.2, NM_001289001.2, NM_153609.4); short protein forms E32D.
Identifiers: ClinVar variation 3613538 (VCV003613538.2).